The following is an entry in ClinVar:

ClinVar aggregate classification (germline): Pathogenic (1 of 4 stars; one submission).

Conditions:
RYR1-related disorder. Also called: RYR1-related condition; RYR1-related disorders. Identifiers: MedGen CN239331.

Submission:

Labcorp Genetics (formerly Invitae), Labcorp
Classification: Pathogenic for RYR1-related disorder. Last evaluated: 2021-04-15. Review status: criteria provided, single submitter. Criteria: Invitae Variant Classification Sherloc (09022015). Collection method: clinical testing. Allele origin: germline.
Comment: This sequence change creates a premature translational stop signal (p.Pro4257Thrfs*81) in the RYR1 gene. It is expected to result in an absent or disrupted protein product. Loss-of-function variants in RYR1 are known to be pathogenic (PMID: 20583297, 20839240, 23919265, 28818389). For these reasons, this variant has been classified as Pathogenic. This variant has not been reported in the literature in individuals with RYR1-related conditions. The frequency data for this variant in the population databases is considered unreliable, as metrics indicate insufficient coverage at this position in the ExAC database.

Literature cited by the submitters: PubMed 20583297; PubMed 20839240; PubMed 23919265; PubMed 28818389.

NM_000540.3(RYR1):c.12769_12778del (p.Pro4257fs)

Gene: RYR1 (ryanodine receptor 1; plus strand). Cytogenetic location: 19q13.2.
Variant type: Deletion.
Coding change: c.12769_12778del on transcript NM_000540.3 (MANE Select); coding-DNA positions 12769 to 12778, 10 bases deleted (CCGGAGACCG; older notation c.12769_12778delCCGGAGACCG).
Protein change: p.Pro4257fs; shifts the reading frame from proline 4257.
Molecular consequence: frameshift variant.
Genome position (GRCh38, 1-based): chr19:38,565,103-38,565,112, CCGGAGACCG deleted; deleting any 10 consecutive bases within chr19:38,565,102-38,565,112 gives the same sequence; the c. name uses the placement nearest the transcript's 3' end. VCF-style (leftmost placement, unchanged base first): chr19-38565101-AGCCGGAGACC-A. GRCh37 (hg19) VCF-style: chr19-39055741-AGCCGGAGACC-A.
Other names: c.12754_12763del, p.Pro4252fs (NM_001042723.2); short protein forms P4257fs, P4252fs.
Identifiers: ClinVar variation 1415046 (VCV001415046.6), dbSNP rs2145843523, ClinGen allele CA2573156311.